The following is an entry in ClinVar:

ClinVar aggregate classification (germline): Uncertain significance (1 of 4 stars; one submission).

Conditions:
Hereditary cancer-predisposing syndrome. Also called: Hereditary neoplastic syndrome; Hereditary Cancer Syndrome; Neoplastic Syndromes, Hereditary; Tumor predisposition. Identifiers: Orphanet 140162, MedGen C0027672, MeSH D009386, MONDO:0015356.

Submission:

Ambry Genetics
Classification: Uncertain significance for Hereditary cancer-predisposing syndrome. Last evaluated: 2023-06-07. Review status: criteria provided, single submitter. Criteria: Ambry Variant Classification Scheme 2023. Collection method: clinical testing. Allele origin: germline.
Comment: The p.K392N variant (also known as c.1176A>T), located in coding exon 10 of the NBN gene, results from an A to T substitution at nucleotide position 1176. The lysine at codon 392 is replaced by asparagine, an amino acid with similar properties. This amino acid position is conserved. In addition, this alteration is predicted to be tolerated by in silico analysis. Since supporting evidence is limited at this time, the clinical significance of this alteration remains unclear.

NM_002485.5(NBN):c.1176A>T (p.Lys392Asn)

Gene: NBN (nibrin; minus strand). Cytogenetic location: 8q21.3.
Variant type: single nucleotide variant.
Coding change: c.1176A>T on transcript NM_002485.5 (MANE Select); coding-DNA position 1176, A replaced by T.
Protein change: p.Lys392Asn; replaces lysine 392 with asparagine.
Molecular consequence: missense variant.
Genome position (GRCh38, 1-based): chr8:89,955,504, T>A on the plus strand (A>T on the coding strand, the complement: NBN is on the minus strand). VCF-style: chr8-89955504-T-A. GRCh37 (hg19) VCF-style: chr8-90967732-T-A.
Other names: c.930A>T, p.Lys310Asn (NM_001024688.3); short protein forms K310N, K392N.
Identifiers: ClinVar variation 2566743 (VCV002566743.2), dbSNP rs2488245307, ClinGen allele CA371656423.